The following is an entry in ClinVar:

NM_002863.5(PYGL):c.1160G>A (p.Arg387His)

Gene: PYGL (glycogen phosphorylase L; minus strand). Cytogenetic location: 14q22.1.
Variant type: single nucleotide variant.
Coding change: c.1160G>A on transcript NM_002863.5 (MANE Select); coding-DNA position 1160, G replaced by A.
Protein change: p.Arg387His; replaces arginine 387 with histidine.
Molecular consequence: missense variant.
Genome position (GRCh38, 1-based): chr14:50,915,904, C>T on the plus strand (G>A on the coding strand, the complement: PYGL is on the minus strand). VCF-style: chr14-50915904-C-T. GRCh37 (hg19) VCF-style: chr14-51382622-C-T.
Other names: c.1058G>A, p.Arg353His (NM_001163940.2); short protein forms R387H, R353H.
Identifiers: ClinVar variation 1920040 (VCV001920040.5), dbSNP rs765731108, ClinGen allele CA7183542.

ClinVar aggregate classification (germline): Uncertain significance (1 of 4 stars; one submission).

Conditions:
Glycogen storage disease, type VI (GSD6). Also called: Glycogen storage disease type 6; Hepatic glycogen phosphorylase deficiency; Glycogen storage disease type 6, due to phosphorylation; GSD VI; HERS DISEASE; PHOSPHORYLASE DEFICIENCY GLYCOGEN-STORAGE DISEASE OF LIVER. Identifiers: Orphanet 369, MedGen C0017925, MONDO:0009294, OMIM 232700.

Allele frequency attached by ClinVar (database versions not stated): gnomAD 0.00001; ExAC 0.00002; TOPMed 0.00004.
gnomAD v4.1: 18 of 1,614,056 alleles (0.0011%); highest among the groups gnomAD compares: South Asian, 0.0077%; no homozygotes.

Submission:

Labcorp Genetics (formerly Invitae), Labcorp
Classification: Uncertain significance for Glycogen storage disease, type VI. Last evaluated: 2022-05-25. Review status: criteria provided, single submitter. Criteria: Invitae Variant Classification Sherloc (09022015). Collection method: clinical testing. Allele origin: germline.
Comment: In summary, the available evidence is currently insufficient to determine the role of this variant in disease. Therefore, it has been classified as a Variant of Uncertain Significance. Advanced modeling of protein sequence and biophysical properties (such as structural, functional, and spatial information, amino acid conservation, physicochemical variation, residue mobility, and thermodynamic stability) performed at Invitae indicates that this missense variant is not expected to disrupt PYGL protein function. This variant has not been reported in the literature in individuals affected with PYGL-related conditions. This variant is present in population databases (rs765731108, gnomAD 0.01%). This sequence change replaces arginine, which is basic and polar, with histidine, which is basic and polar, at codon 387 of the PYGL protein (p.Arg387His).